The following is an entry in ClinVar:

NM_003072.5(SMARCA4):c.4775C>T (p.Ser1592Phe)

Gene: SMARCA4 (SWI/SNF related BAF chromatin remodeling complex subunit ATPase 4; plus strand). Cytogenetic location: 19p13.2.
Variant type: single nucleotide variant.
Coding change: c.4775C>T on transcript NM_003072.5 (MANE Select); coding-DNA position 4775, C replaced by T.
Protein change: p.Ser1592Phe; replaces serine 1592 with phenylalanine.
Molecular consequence: missense variant. On other transcripts: non-coding transcript variant (1).
Genome position (GRCh38, 1-based): chr19:11,060,051, C>T. VCF-style: chr19-11060051-C-T. GRCh37 (hg19) VCF-style: chr19-11170727-C-T.
Other names: c.4775C>T, p.Ser1592Phe (NM_001128844.3); c.4685C>T, p.Ser1562Phe (NM_001128845.2); c.4682C>T, p.Ser1561Phe (NM_001128846.2); c.4676C>T, p.Ser1559Phe (NM_001128847.4, NM_001374457.1); c.4673C>T, p.Ser1558Phe (NM_001128848.2); c.4871C>T, p.Ser1624Phe (NM_001128849.3, NM_001387283.1); c.4772C>T, p.Ser1591Phe (NM_001411150.1); short protein forms S1558F, S1591F, S1559F, S1561F, S1562F, S1592F, S1624F.
Identifiers: ClinVar variation 3320765 (VCV003320765.1).
Genomic context (GRCh38, chr19:11,060,051, plus strand): 5'-GGGGTGCTGCATTCCCAGAGCTCAAGGCTGTCTTTCCCTCCCGGTCCCCTCCAGCTCGGT[C>T]CGTCAAAGTGAAGATCAAGCTTGGCCGGAAGGAGAAGGCACAGGACCGGCTGAAGGGCGG-3'
Protein context (NP_003063.2, residues 1582-1602): EEEGSESESR[Ser1592Phe]VKVKIKLGRK

ClinVar aggregate classification (germline): Uncertain significance (1 of 4 stars; one submission).

Conditions:
Hereditary cancer-predisposing syndrome. Also called: Neoplastic Syndromes, Hereditary; Tumor predisposition; Hereditary neoplastic syndrome; Hereditary Cancer Syndrome. Identifiers: Orphanet 140162, MedGen C0027672, MeSH D009386, MONDO:0015356.

Submission:

Ambry Genetics
Classification: Uncertain significance for Hereditary cancer-predisposing syndrome. Last evaluated: 2024-06-06. Review status: criteria provided, single submitter. Criteria: Ambry Variant Classification Scheme 2023. Collection method: clinical testing. Allele origin: germline.
Comment: The p.S1624F variant (also known as c.4871C>T), located in coding exon 34 of the SMARCA4 gene, results from a C to T substitution at nucleotide position 4871. The serine at codon 1624 is replaced by phenylalanine, an amino acid with highly dissimilar properties. This amino acid position is conserved. In addition, this alteration is predicted to be deleterious by in silico analysis. Based on the available evidence, the clinical significance of this variant remains unclear.